The following is an entry in ClinVar:

ClinVar aggregate classification (germline): Benign/Likely benign. Review status: criteria provided, multiple submitters, no conflicts (2 of 4 stars). 6 submissions from 6 submitters: Benign (2); Likely benign (2). 2 of the submissions do not count toward it. Last evaluated 2026-02-03.

Allele frequency attached by ClinVar (database versions not stated): gnomAD exomes 0.00035 and 0.00086; ExAC 0.00105; ESP Exome Variant Server 0.00213; gnomAD 0.00246; 1000 Genomes Project 0.00260; 1000 Genomes Project 30x 0.00265; TOPMed 0.00308.
gnomAD v4.1: 984 of 1,549,978 alleles (0.063%); highest among the groups gnomAD compares: African/African-American, 0.91%; 8 homozygotes.

Submissions (6):

Labcorp Genetics (formerly Invitae), Labcorp
Classification: Benign. Last evaluated: 2026-02-03. Review status: criteria provided, single submitter. Criteria: Invitae Variant Classification Sherloc (09022015). Collection method: clinical testing. Allele origin: germline.

Blueprint Genetics
Classification: Likely benign. Last evaluated: 2024-11-28. Review status: criteria provided, single submitter. Criteria: ACMG Guidelines, 2015. Collection method: clinical testing. Allele origin: germline.

CeGaT Center for Human Genetics Tuebingen
Classification: Likely benign. Last evaluated: 2022-09-01. Review status: criteria provided, single submitter. Criteria: CeGaT Center For Human Genetics Tuebingen Variant Classification Criteria Version 2. Collection method: clinical testing. Allele origin: germline. Affected: yes. Observed: 1 variant allele.
Comment: DOCK6: BP4, BP7

Breakthrough Genomics
Classification: Benign. Review status: criteria provided, single submitter. Criteria: ACMG Guidelines, 2015. Collection method: not provided. Allele origin: germline. Inheritance: Autosomal recessive inheritance. Affected: yes.

Clinical Genetics DNA and cytogenetics Diagnostics Lab, Erasmus MC, Erasmus Medical Center
Classification: Likely benign. Review status: no assertion criteria provided. Collection method: clinical testing. Allele origin: germline. Affected: yes. Study: VKGL Data-share Consensus. Not counted in ClinVar's aggregate classification.

Clinical Genetics, Academic Medical Center
Classification: Likely benign. Review status: no assertion criteria provided. Collection method: clinical testing. Allele origin: germline. Affected: yes. Study: VKGL Data-share Consensus. Not counted in ClinVar's aggregate classification.

NM_020812.4(DOCK6):c.5229C>A (p.Gly1743=)

Genes: DOCK6-AS1 (DOCK6 antisense RNA 1; plus strand), DOCK6 (dedicator of cytokinesis 6; minus strand). Cytogenetic location: 19p13.2.
Variant type: single nucleotide variant.
Coding change: c.5229C>A on transcript NM_020812.4 (MANE Select); coding-DNA position 5229, C replaced by A.
Protein change: p.Gly1743=; no amino-acid change (glycine 1743 retained).
Molecular consequence: synonymous variant.
Genome position (GRCh38, 1-based): chr19:11,204,087, G>T on the plus strand (C>A on the coding strand, the complement: DOCK6 is on the minus strand). VCF-style: chr19-11204087-G-T. GRCh37 (hg19) VCF-style: chr19-11314763-G-T.
Other names: c.5334C>A, p.Gly1778= (NM_001367830.1).
Identifiers: ClinVar variation 723729 (VCV000723729.39), dbSNP rs56243833, ClinGen allele CA9206577.